The following is an entry in ClinVar:

ClinVar aggregate classification (germline): Uncertain significance (1 of 4 stars; one submission).

Submission:

GeneDx
Classification: Uncertain significance. Last evaluated: 2023-11-11. Review status: criteria provided, single submitter. Criteria: GeneDx Variant Classification Process June 2021. Collection method: clinical testing. Allele origin: germline. Affected: yes.
Comment: Not observed at significant frequency in large population cohorts (gnomAD); In silico analysis supports that this missense variant does not alter protein structure/function; Has not been previously published as pathogenic or benign to our knowledge

NM_015488.5(PNKD):c.233C>G (p.Ala78Gly)

Gene: PNKD (PNKD metallo-beta-lactamase domain containing; plus strand). Cytogenetic location: 2q35.
Variant type: single nucleotide variant.
Coding change: c.233C>G on transcript NM_015488.5 (MANE Select); coding-DNA position 233, C replaced by G.
Protein change: p.Ala78Gly; replaces alanine 78 with glycine.
Molecular consequence: missense variant.
Genome position (GRCh38, 1-based): chr2:218,271,546, C>G. VCF-style: chr2-218271546-C-G. GRCh37 (hg19) VCF-style: chr2-219136269-C-G.
Other names: c.233C>G, p.Ala78Gly (NM_001077399.3); short protein forms A78G.
Identifiers: ClinVar variation 3364115 (VCV003364115.1).